The following is an entry in ClinVar:

NM_000718.4(CACNA1B):c.6738G>C (p.Gln2246His)

Gene: CACNA1B (calcium voltage-gated channel subunit alpha1 B; plus strand). Cytogenetic location: 9q34.3.
Variant type: single nucleotide variant.
Coding change: c.6738G>C on transcript NM_000718.4 (MANE Select); coding-DNA position 6738, G replaced by C.
Protein change: p.Gln2246His; replaces glutamine 2246 with histidine.
Molecular consequence: missense variant.
Genome position (GRCh38, 1-based): chr9:138,121,717, G>C. VCF-style: chr9-138121717-G-C. GRCh37 (hg19) VCF-style: chr9-141016169-G-C.
Other names: c.6738G>C (NM_000718.3); c.6551G>C, p.Ser2184Thr (NM_001243812.2); short protein forms Q2246H, S2184T.
Identifiers: ClinVar variation 1600078 (VCV001600078.37), dbSNP rs200222038, ClinGen allele CA5377794.

ClinVar aggregate classification (germline): Benign/Likely benign. Review status: criteria provided, multiple submitters, no conflicts (2 of 4 stars). 3 submissions from 3 submitters: Benign (1); Likely benign (1). 1 of the submissions does not count toward it. Last evaluated 2026-06-01.

Conditions:
CACNA1B-related disorder. Also called: CACNA1B-related condition.

Allele frequency attached by ClinVar (database versions not stated): gnomAD 0.00024 and 0.00040; gnomAD exomes 0.00031 and 0.00058; TOPMed 0.00054; ExAC 0.00060; 1000 Genomes Project 0.00140; 1000 Genomes Project 30x 0.00187.
gnomAD v4.1: 514 of 1,613,280 alleles (0.032%); highest among the groups gnomAD compares: East Asian, 0.92%; 1 homozygote.

Submissions (3):

CeGaT Center for Human Genetics Tuebingen
Classification: Likely benign. Last evaluated: 2026-06-01. Review status: criteria provided, single submitter. Criteria: CeGaT Center For Human Genetics Tuebingen Variant Classification Criteria Version 2. Collection method: clinical testing. Allele origin: germline. Affected: yes. Observed: 4 variant alleles.
Comment: CACNA1B: BS1

Labcorp Genetics (formerly Invitae), Labcorp
Classification: Benign. Last evaluated: 2026-01-26. Review status: criteria provided, single submitter. Criteria: Invitae Variant Classification Sherloc (09022015). Collection method: clinical testing. Allele origin: germline.

PreventionGenetics, part of Exact Sciences
Classification: Likely benign for CACNA1B-related condition. Last evaluated: 2019-08-29. Review status: no assertion criteria provided. Collection method: clinical testing. Allele origin: germline. Not counted in ClinVar's aggregate classification.
Comment: This variant is classified as likely benign based on ACMG/AMP sequence variant interpretation guidelines (Richards et al. 2015 PMID: 25741868, with internal and published modifications).